The following is an entry in ClinVar:

ClinVar aggregate classification (germline): Uncertain significance (1 of 4 stars; one submission).

Conditions:
Spastic paraplegia. Identifiers: MedGen C0037772, HP:0001258.

Allele frequency attached by ClinVar (database versions not stated): gnomAD exomes below 0.00001.

Submission:

Labcorp Genetics (formerly Invitae), Labcorp
Classification: Uncertain significance for Spastic paraplegia. Last evaluated: 2022-04-19. Review status: criteria provided, single submitter. Criteria: Invitae Variant Classification Sherloc (09022015). Collection method: clinical testing. Allele origin: germline.
Comment: In summary, the available evidence is currently insufficient to determine the role of this variant in disease. Therefore, it has been classified as a Variant of Uncertain Significance. Algorithms developed to predict the effect of missense changes on protein structure and function (SIFT, PolyPhen-2, Align-GVGD) all suggest that this variant is likely to be tolerated. This variant has not been reported in the literature in individuals affected with SLC33A1-related conditions. This variant is not present in population databases (gnomAD no frequency). This sequence change replaces aspartic acid, which is acidic and polar, with asparagine, which is neutral and polar, at codon 239 of the SLC33A1 protein (p.Asp239Asn).

NM_004733.4(SLC33A1):c.715G>A (p.Asp239Asn)

Gene: SLC33A1 (solute carrier family 33 member 1; minus strand). Cytogenetic location: 3q25.31.
Variant type: single nucleotide variant.
Coding change: c.715G>A on transcript NM_004733.4 (MANE Select); coding-DNA position 715, G replaced by A.
Protein change: p.Asp239Asn; replaces aspartic acid 239 with asparagine.
Molecular consequence: missense variant.
Genome position (GRCh38, 1-based): chr3:155,853,283, C>T on the plus strand (G>A on the coding strand, the complement: SLC33A1 is on the minus strand). VCF-style: chr3-155853283-C-T. GRCh37 (hg19) VCF-style: chr3-155571072-C-T.
Other names: c.715G>A, p.Asp239Asn (NM_001190992.2, NM_001363883.1); short protein forms D239N.
Identifiers: ClinVar variation 2102675 (VCV002102675.4), dbSNP rs1753485329, ClinGen allele CA355143004.